The following is an entry in ClinVar:

NM_198129.4(LAMA3):c.8017G>A (p.Ala2673Thr)

Gene: LAMA3 (laminin subunit alpha 3; plus strand). Cytogenetic location: 18q11.2.
Variant type: single nucleotide variant.
Coding change: c.8017G>A on transcript NM_198129.4 (MANE Select); coding-DNA position 8017, G replaced by A.
Protein change: p.Ala2673Thr; replaces alanine 2673 with threonine.
Molecular consequence: missense variant.
Genome position (GRCh38, 1-based): chr18:23,921,028, G>A. VCF-style: chr18-23921028-G-A. GRCh37 (hg19) VCF-style: chr18-21500992-G-A.
Other names: c.3190G>A, p.Ala1064Thr (NM_000227.6); c.7849G>A, p.Ala2617Thr (NM_001127717.4); c.3022G>A, p.Ala1008Thr (NM_001127718.4); short protein forms A1064T, A2617T, A1008T, A2673T.
Identifiers: ClinVar variation 3730275 (VCV003730275.2).

ClinVar aggregate classification (germline): Uncertain significance (1 of 4 stars; one submission).

gnomAD v4.1: 59 of 1,613,996 alleles (0.0037%); highest among the groups gnomAD compares: Admixed American, 0.03%; no homozygotes.

Submission:

Labcorp Genetics (formerly Invitae), Labcorp
Classification: Uncertain significance. Last evaluated: 2024-05-10. Review status: criteria provided, single submitter. Criteria: Invitae Variant Classification Sherloc (09022015). Collection method: clinical testing. Allele origin: germline.
Comment: This sequence change replaces alanine, which is neutral and non-polar, with threonine, which is neutral and polar, at codon 1064 of the LAMA3 protein (p.Ala1064Thr). This variant is present in population databases (rs202110840, gnomAD 0.03%). This variant has not been reported in the literature in individuals affected with LAMA3-related conditions. Algorithms developed to predict the effect of missense changes on protein structure and function output the following: SIFT: "Not Available"; PolyPhen-2: "Benign"; Align-GVGD: "Not Available". The threonine amino acid residue is found in multiple mammalian species, which suggests that this missense change does not adversely affect protein function. In summary, the available evidence is currently insufficient to determine the role of this variant in disease. Therefore, it has been classified as a Variant of Uncertain Significance.